The following is an entry in ClinVar:

ClinVar aggregate classification (germline): Uncertain significance (1 of 4 stars; one submission).

Submission:

GeneDx
Classification: Uncertain significance. Last evaluated: 2024-11-20. Review status: criteria provided, single submitter. Criteria: GeneDx Variant Classification Process June 2021. Collection method: clinical testing. Allele origin: germline. Affected: yes.
Comment: Not observed at significant frequency in large population cohorts (gnomAD); In silico analysis indicates that this missense variant does not alter protein structure/function; Has not been previously published as pathogenic or benign to our knowledge

NM_014458.4(KLHL20):c.580C>G (p.Gln194Glu)

Gene: KLHL20 (kelch like family member 20; plus strand). Cytogenetic location: 1q25.1.
Variant type: single nucleotide variant.
Coding change: c.580C>G on transcript NM_014458.4 (MANE Select); coding-DNA position 580, C replaced by G.
Protein change: p.Gln194Glu; replaces glutamine 194 with glutamic acid.
Molecular consequence: missense variant.
Genome position (GRCh38, 1-based): chr1:173,734,269, C>G. VCF-style: chr1-173734269-C-G. GRCh37 (hg19) VCF-style: chr1-173703408-C-G.
Other names: short protein forms Q194E.
Identifiers: ClinVar variation 3900406 (VCV003900406.1).